The following is an entry in ClinVar:

NM_004304.5(ALK):c.3451-3C>T

Gene: ALK (ALK receptor tyrosine kinase; minus strand). Cytogenetic location: 2p23.2.
Variant type: single nucleotide variant.
Coding change: c.3451-3C>T on transcript NM_004304.5 (MANE Select); 3 bases into the intron before coding-DNA position 3451, C replaced by T.
Molecular consequence: intron variant.
Genome position (GRCh38, 1-based): chr2:29,222,411, G>A on the plus strand (C>T on the coding strand, the complement: ALK is on the minus strand). VCF-style: chr2-29222411-G-A. GRCh37 (hg19) VCF-style: chr2-29445277-G-A.
Other names: c.247-3C>T (NM_001353765.2).
Identifiers: ClinVar variation 1731568 (VCV001731568.4), dbSNP rs2148168768, ClinGen allele CA2580066298.

ClinVar aggregate classification (germline): Uncertain significance. Review status: criteria provided, multiple submitters, no conflicts (2 of 4 stars). 2 submissions from 2 submitters: Uncertain significance (2). Last evaluated 2024-06-09.

Conditions:
Neuroblastoma, susceptibility to, 3. Also called: ALK-Related Neuroblastic Tumor Susceptibility. Identifiers: Orphanet 635, MedGen C2751681, MONDO:0013083, OMIM 613014.
Hereditary cancer-predisposing syndrome. Also called: Neoplastic Syndromes, Hereditary; Tumor predisposition; Hereditary Cancer Syndrome; Hereditary neoplastic syndrome. Identifiers: Orphanet 140162, MedGen C0027672, MeSH D009386, MONDO:0015356.

Submissions (2):

Labcorp Genetics (formerly Invitae), Labcorp
Classification: Uncertain significance for Neuroblastoma, susceptibility to, 3. Last evaluated: 2024-06-09. Review status: criteria provided, single submitter. Criteria: Invitae Variant Classification Sherloc (09022015). Collection method: clinical testing. Allele origin: germline.
Comment: This sequence change falls in intron 21 of the ALK gene. It does not directly change the encoded amino acid sequence of the ALK protein. It affects a nucleotide within the consensus splice site. This variant is not present in population databases (gnomAD no frequency). This variant has not been reported in the literature in individuals affected with ALK-related conditions. ClinVar contains an entry for this variant (Variation ID: 1731568). Variants that disrupt the consensus splice site are a relatively common cause of aberrant splicing (PMID: 17576681, 9536098). Algorithms developed to predict the effect of sequence changes on RNA splicing suggest that this variant is not likely to affect RNA splicing. In summary, the available evidence is currently insufficient to determine the role of this variant in disease. Therefore, it has been classified as a Variant of Uncertain Significance.

Ambry Genetics
Classification: Uncertain significance for Hereditary cancer-predisposing syndrome. Last evaluated: 2022-08-31. Review status: criteria provided, single submitter. Criteria: Ambry Variant Classification Scheme 2023. Collection method: clinical testing. Allele origin: germline.
Comment: The c.3451-3C>T intronic variant results from a C to T substitution 3 nucleotides upstream from coding exon 22 in the ALK gene. This nucleotide position is not well conserved in available vertebrate species. In silico splice site analysis predicts that this alteration will not have any significant effect on splicing. Since supporting evidence is limited at this time, the clinical significance of this alteration remains unclear.

Literature cited by the submitters: PubMed 17576681 (cited by Labcorp Genetics (formerly Invitae), Labcorp); PubMed 9536098 (cited by Labcorp Genetics (formerly Invitae), Labcorp).